The following is an entry in ClinVar:

NM_001166114.2(PNPLA6):c.3912C>T (p.Asp1304=)

Gene: PNPLA6 (patatin like domain 6, lysophospholipase; plus strand). Cytogenetic location: 19p13.2.
Variant type: single nucleotide variant.
Coding change: c.3912C>T on transcript NM_001166114.2 (MANE Select); coding-DNA position 3912, C replaced by T.
Protein change: p.Asp1304=; no amino-acid change (aspartic acid 1304 retained).
Molecular consequence: synonymous variant.
Genome position (GRCh38, 1-based): chr19:7,561,109, C>T. VCF-style: chr19-7561109-C-T. GRCh37 (hg19) VCF-style: chr19-7625995-C-T.
Other names: c.3942C>T, p.Asp1314= (NM_001166111.2); c.3717C>T, p.Asp1239= (NM_001166112.2); c.3798C>T, p.Asp1266= (NM_001166113.1, NM_006702.5); c.3942C>T (NM_001166111.1).
Identifiers: ClinVar variation 330538 (VCV000330538.19), dbSNP rs149871062, ClinGen allele CA9140624.

ClinVar aggregate classification (germline): Conflicting classifications of pathogenicity. Review status: criteria provided, conflicting classifications (1 of 4 stars). 5 submissions from 5 submitters: Uncertain significance (1); Likely benign (3). 1 of the submissions does not count toward it. Last evaluated 2026-01-13.

Conditions:
PNPLA6-related disorder. Also called: PNPLA6-related disorders; PNPLA6-related condition.
Hereditary spastic paraplegia 39 (SPG39). Also called: SPASTIC PARAPLEGIA 39, AUTOSOMAL RECESSIVE; Spastic Paraplegia Type 39 (SPG39). Identifiers: Orphanet 139480, MedGen C2677586, MONDO:0012787, OMIM 612020.

Allele frequency attached by ClinVar (database versions not stated): gnomAD exomes 0.00031; ExAC 0.00034; 1000 Genomes Project 0.00040; TOPMed 0.00077; gnomAD 0.00081 and 0.00087; ESP Exome Variant Server 0.00092; 1000 Genomes Project 30x 0.00094.
gnomAD v4.1: 265 of 1,585,056 alleles (0.017%); highest among the groups gnomAD compares: African/African-American, 0.3%; no homozygotes.

Submissions (5):

Labcorp Genetics (formerly Invitae), Labcorp
Classification: Likely benign for Hereditary spastic paraplegia 39. Last evaluated: 2026-01-13. Review status: criteria provided, single submitter. Criteria: Invitae Variant Classification Sherloc (09022015). Collection method: clinical testing. Allele origin: germline.

Blueprint Genetics
Classification: Likely benign. Last evaluated: 2024-08-20. Review status: criteria provided, single submitter. Criteria: ACMG Guidelines, 2015. Collection method: clinical testing. Allele origin: germline.

Illumina Laboratory Services, Illumina
Classification: Uncertain significance for Hereditary spastic paraplegia 39. Last evaluated: 2018-01-12. Review status: criteria provided, single submitter. Criteria: ICSL Variant Classification Criteria 13 December 2019. Collection method: clinical testing. Allele origin: germline.

GeneDx
Classification: Likely benign. Last evaluated: 2016-01-08. Review status: criteria provided, single submitter. Criteria: GeneDx Variant Classification (06012015). Collection method: clinical testing. Allele origin: germline. Affected: yes.
Comment: This variant is considered likely benign or benign based on one or more of the following criteria: it is a conservative change, it occurs at a poorly conserved position in the protein, it is predicted to be benign by multiple in silico algorithms, and/or has population frequency not consistent with disease.

PreventionGenetics, part of Exact Sciences
Classification: Likely benign for PNPLA6-related condition. Last evaluated: 2019-07-24. Review status: no assertion criteria provided. Collection method: clinical testing. Allele origin: germline. Not counted in ClinVar's aggregate classification.
Comment: This variant is classified as likely benign based on ACMG/AMP sequence variant interpretation guidelines (Richards et al. 2015 PMID: 25741868, with internal and published modifications).